The following is an entry in ClinVar:

NM_018979.4(WNK1):c.2678C>T (p.Pro893Leu)

Gene: WNK1 (WNK lysine deficient protein kinase 1; plus strand). Cytogenetic location: 12p13.33.
Variant type: single nucleotide variant.
Coding change: c.2678C>T on transcript NM_018979.4 (MANE Select); coding-DNA position 2678, C replaced by T.
Protein change: p.Pro893Leu; replaces proline 893 with leucine.
Molecular consequence: missense variant. On other transcripts: intron variant (3).
Genome position (GRCh38, 1-based): chr12:879,877, C>T. VCF-style: chr12-879877-C-T. GRCh37 (hg19) VCF-style: chr12-989043-C-T.
Other names: c.2678C>T (NM_018979.3); c.3867+1516C>T (NM_213655.5); c.3613-844C>T (NM_001184985.2); c.2370+1516C>T (NM_014823.3); short protein forms P893L.
Identifiers: ClinVar variation 3575568 (VCV003575568.2).
Genomic context (GRCh38, chr12:879,877, plus strand): 5'-TGCTCACGTTGGCTTCATCTGCTACAACAGCTGCGATCCCGGGGGTATCAACTGTGGTTC[C>T]TAGTCAGCTTCCAACCCTTCTGCAGCCTGTGACTCAGCTGCCAAGTCAGGTTCACCCACA-3'
Protein context (NP_061852.3, residues 883-903): AAIPGVSTVV[Pro893Leu]SQLPTLLQPV

ClinVar aggregate classification (germline): Uncertain significance. Review status: criteria provided, multiple submitters, no conflicts (2 of 4 stars). 2 submissions from 2 submitters: Uncertain significance (2). Last evaluated 2025-12-23.

Conditions:
Neuropathy, hereditary sensory and autonomic, type 2A (HSAN2A). Also called: ACROOSTEOLYSIS, GIACCAI TYPE; ACROOSTEOLYSIS, NEUROGENIC; MORVAN DISEASE; NEUROPATHY, CONGENITAL SENSORY; NEUROPATHY, HEREDITARY SENSORY RADICULAR, AUTOSOMAL RECESSIVE; NEUROPATHY, HEREDITARY SENSORY, TYPE IIA. Identifiers: Orphanet 970, MedGen C2752089, MONDO:0024309, OMIM 201300.
Pseudohypoaldosteronism type 2C (PHA2C). Also called: Pseudohypoaldosteronism Type IIC. Identifiers: Orphanet 757, Orphanet 88940, MedGen C1840391, MONDO:0013778, OMIM 614492.
WNK1-related disorder. Also called: WNK1-related condition.

gnomAD v4.1: 9 of 1,614,020 alleles (0.00056%); highest among the groups gnomAD compares: Admixed American, 0.0067%; no homozygotes.

Submissions (2):

PreventionGenetics, part of Exact Sciences
Classification: Uncertain significance for WNK1-related condition. Last evaluated: 2025-12-23. Review status: criteria provided, single submitter. Criteria: ACMG Guidelines, 2015. Collection method: clinical testing. Allele origin: germline.
Comment: The WNK1 c.2678C>T variant is predicted to result in the amino acid substitution p.Pro893Leu. To our knowledge, this variant has not been reported in the literature. This variant is reported in 0.020% of alleles in individuals of Ashkenazi Jewish descent in gnomAD. At this time, the clinical significance of this variant is uncertain due to the absence of conclusive functional and genetic evidence.

Fulgent Genetics
Classification: Uncertain significance for Neuropathy, hereditary sensory and autonomic, type 2A; Pseudohypoaldosteronism type 2C. Last evaluated: 2024-04-15. Review status: criteria provided, single submitter. Criteria: ACMG Guidelines, 2015. Collection method: clinical testing. Allele origin: germline.